The following is an entry in ClinVar:

ClinVar aggregate classification (germline): Uncertain significance (1 of 4 stars; one submission).

gnomAD v4.1: 5 of 1,613,930 alleles (0.00031%); highest among the groups gnomAD compares: Non-Finnish European, 0.00042%; no homozygotes.

Submission:

Labcorp Genetics (formerly Invitae), Labcorp
Classification: Uncertain significance. Last evaluated: 2022-01-17. Review status: criteria provided, single submitter. Criteria: Invitae Variant Classification Sherloc (09022015). Collection method: clinical testing. Allele origin: germline.
Comment: This sequence change replaces serine, which is neutral and polar, with arginine, which is basic and polar, at codon 1015 of the ERCC6 protein (p.Ser1015Arg). This variant is present in population databases (rs759542213, gnomAD 0.0009%). This variant has not been reported in the literature in individuals affected with ERCC6-related conditions. Algorithms developed to predict the effect of missense changes on protein structure and function are either unavailable or do not agree on the potential impact of this missense change (SIFT: "Deleterious"; PolyPhen-2: "Benign"; Align-GVGD: "Class C25"). In summary, the available evidence is currently insufficient to determine the role of this variant in disease. Therefore, it has been classified as a Variant of Uncertain Significance.

NM_000124.4(ERCC6):c.3045C>A (p.Ser1015Arg)

Gene: ERCC6 (ERCC excision repair 6, chromatin remodeling factor; minus strand). Cytogenetic location: 10q11.23.
Variant type: single nucleotide variant.
Coding change: c.3045C>A on transcript NM_000124.4 (MANE Select); coding-DNA position 3045, C replaced by A.
Protein change: p.Ser1015Arg; replaces serine 1015 with arginine.
Molecular consequence: missense variant.
Genome position (GRCh38, 1-based): chr10:49,471,000, G>T on the plus strand (C>A on the coding strand, the complement: ERCC6 is on the minus strand). VCF-style: chr10-49471000-G-T. GRCh37 (hg19) VCF-style: chr10-50679046-G-T.
Other names: c.3045C>A, p.Ser1015Arg (NM_001346440.2); short protein forms S1015R.
Identifiers: ClinVar variation 1944071 (VCV001944071.2), dbSNP rs759542213, ClinGen allele CA5495443.